The following is an entry in ClinVar:

NM_000041.4(APOE):c.454C>T (p.Arg152Trp)

Gene: APOE (apolipoprotein E; plus strand). Cytogenetic location: 19q13.32.
Variant type: single nucleotide variant.
Coding change: c.454C>T on transcript NM_000041.4 (MANE Select); coding-DNA position 454, C replaced by T.
Protein change: p.Arg152Trp; replaces arginine 152 with tryptophan.
Molecular consequence: missense variant.
Genome position (GRCh38, 1-based): chr19:44,908,750, C>T. VCF-style: chr19-44908750-C-T. GRCh37 (hg19) VCF-style: chr19-45412007-C-T.
Other names: c.532C>T, p.Arg178Trp (NM_001302688.2); c.454C>T, p.Arg152Trp (NM_001302689.2, NM_001302690.2, NM_001302691.2); short protein forms R152W, R178W.
Identifiers: ClinVar variation 4890875 (VCV004890875.1).

ClinVar aggregate classification (germline): Likely benign (1 of 4 stars; one submission).

Conditions:
Familial hypercholesterolemia. Also called: Familial hypercholesterolaemia; Familial hypercholesterolemias. Identifiers: MedGen C0020445, MONDO:0005439.

Submission:

Cambridge Genomics Laboratory, East Genomic Laboratory Hub, NHS Genomic Medicine Service
Classification: Likely benign for Familial hypercholesterolaemia. Last evaluated: 2026-08-21. Review status: criteria provided, single submitter. Criteria: ACGS Best Practice Guidelines for Variant Classification in Rare Disease 2020. Collection method: clinical testing. Allele origin: germline. Affected: yes.
Comment: BS1_Strong